The following is an entry in ClinVar:

NM_002968.3(SALL1):c.572T>C (p.Ile191Thr)

Gene: SALL1 (spalt like transcription factor 1; minus strand). Cytogenetic location: 16q12.1.
Variant type: single nucleotide variant.
Coding change: c.572T>C on transcript NM_002968.3 (MANE Select); coding-DNA position 572, T replaced by C.
Protein change: p.Ile191Thr; replaces isoleucine 191 with threonine.
Molecular consequence: missense variant.
Genome position (GRCh38, 1-based): chr16:51,141,650, A>G on the plus strand (T>C on the coding strand, the complement: SALL1 is on the minus strand). VCF-style: chr16-51141650-A-G. GRCh37 (hg19) VCF-style: chr16-51175561-A-G.
Other names: c.281T>C, p.Ile94Thr (NM_001127892.2); short protein forms I191T, I94T.
Identifiers: ClinVar variation 493182 (VCV000493182.46), dbSNP rs1555475381, ClinGen allele CA395891504.

ClinVar aggregate classification (germline): Uncertain significance. Review status: criteria provided, multiple submitters, no conflicts (2 of 4 stars). 3 submissions from 3 submitters: Uncertain significance (3). Last evaluated 2024-05-31.

Conditions:
Townes syndrome (TBS). Also called: Townes-Brocks syndrome. Identifiers: Orphanet 857, MedGen C0265246, MeSH C536974, MONDO:0007142.

Allele frequency attached by ClinVar (database versions not stated): TOPMed below 0.00001; gnomAD exomes 0.00001.
gnomAD v4.1: 6 of 1,613,678 alleles (0.00037%); highest among the groups gnomAD compares: Non-Finnish European, 0.00051%; no homozygotes.

Submissions (3):

Labcorp Genetics (formerly Invitae), Labcorp
Classification: Uncertain significance for Townes syndrome. Last evaluated: 2024-05-31. Review status: criteria provided, single submitter. Criteria: Invitae Variant Classification Sherloc (09022015). Collection method: clinical testing. Allele origin: germline.
Comment: This sequence change replaces isoleucine, which is neutral and non-polar, with threonine, which is neutral and polar, at codon 191 of the SALL1 protein (p.Ile191Thr). This variant is not present in population databases (gnomAD no frequency). This variant has not been reported in the literature in individuals affected with SALL1-related conditions. ClinVar contains an entry for this variant (Variation ID: 493182). Advanced modeling of protein sequence and biophysical properties (such as structural, functional, and spatial information, amino acid conservation, physicochemical variation, residue mobility, and thermodynamic stability) performed at Invitae indicates that this missense variant is not expected to disrupt SALL1 protein function with a negative predictive value of 80%. In summary, the available evidence is currently insufficient to determine the role of this variant in disease. Therefore, it has been classified as a Variant of Uncertain Significance.

Blueprint Genetics
Classification: Uncertain significance. Last evaluated: 2023-12-04. Review status: criteria provided, single submitter. Criteria: ACMG Guidelines, 2015. Collection method: clinical testing. Allele origin: germline.

CeGaT Center for Human Genetics Tuebingen
Classification: Uncertain significance. Last evaluated: 2017-11-01. Review status: criteria provided, single submitter. Criteria: CeGaT Center For Human Genetics Tuebingen Variant Classification Criteria Version 2. Collection method: clinical testing. Allele origin: germline. Affected: yes. Observed: 1 variant allele.